The following is an entry in ClinVar:

ClinVar aggregate classification (germline): Conflicting classifications of pathogenicity. Review status: criteria provided, conflicting classifications (1 of 4 stars). 4 submissions from 4 submitters: Uncertain significance (2); Benign (1); Likely benign (1). Last evaluated 2025-12-16.

Conditions:
Ehlers-Danlos syndrome, classic type, 1 (EDSCL1). Also called: Ehlers-Danlos Syndrome, Classic Type, COL5A1-Related; EHLERS-DANLOS SYNDROME, GRAVIS TYPE; EHLERS-DANLOS SYNDROME, SEVERE CLASSIC TYPE; Ehlers-Danlos syndrome, type 1; EDS I. Identifiers: MedGen C0268335, MONDO:0019567, OMIM 130000.
Ehlers-Danlos syndrome, classic type (cEDS). Identifiers: Orphanet 287, MedGen C4225429, MONDO:0007522.
Familial thoracic aortic aneurysm and aortic dissection (TAAD). Also called: Thoracic aortic aneurysms and dissections. Identifiers: Orphanet 91387, MedGen C4707243, MONDO:0019625.

Allele frequency attached by ClinVar (database versions not stated): gnomAD exomes 0.00006; gnomAD 0.00008 and 0.00007; TOPMed 0.00010; ExAC 0.00008; 1000 Genomes Project 0.00020; 1000 Genomes Project 30x 0.00016.
gnomAD v4.1: 157 of 1,611,712 alleles (0.0097%); highest among the groups gnomAD compares: African/African-American, 0.019%; no homozygotes.

Submissions (4):

Labcorp Genetics (formerly Invitae), Labcorp
Classification: Benign for Ehlers-Danlos syndrome, classic type, 1. Last evaluated: 2025-12-16. Review status: criteria provided, single submitter. Criteria: Invitae Variant Classification Sherloc (09022015). Collection method: clinical testing. Allele origin: germline.

Ambry Genetics
Classification: Uncertain significance for Familial thoracic aortic aneurysm and aortic dissection. Last evaluated: 2025-02-07. Review status: criteria provided, single submitter. Criteria: Ambry Variant Classification Scheme 2023. Collection method: clinical testing. Allele origin: germline.
Comment: The p.T1005M variant (also known as c.3014C>T), located in coding exon 39 of the COL5A1 gene, results from a C to T substitution at nucleotide position 3014. The threonine at codon 1005 is replaced by methionine, an amino acid with similar properties. This variant has been reported in an aortic aneurysm cohort (Salmasi MY et al. Int J Cardiol, 2022 Nov;366:1-9). This amino acid position is well conserved in available vertebrate species. In addition, the in silico prediction for this alteration is inconclusive. Based on the available evidence, the clinical significance of this variant remains unclear.

GeneDx
Classification: Uncertain significance. Last evaluated: 2021-12-13. Review status: criteria provided, single submitter. Criteria: GeneDx Variant Classification Process June 2021. Collection method: clinical testing. Allele origin: germline. Affected: yes.
Comment: Has not been previously published as pathogenic or benign to our knowledge; Reported in ClinVar (ClinVar Variant ID# 264088; Landrum et al., 2016); In silico analysis supports that this missense variant has a deleterious effect on protein structure/function; Occurs in the triple helical domain at the Y position in the canonical Gly-X-Y repeat; although this variant may have an effect on normal protein folding and function, missense substitution at the Y position is not a common mechanism of disease (Symoens et al., 2012; Stenson et al., 2014); This variant is associated with the following publications: (PMID: 22696272, 24077912)

Illumina Laboratory Services, Illumina
Classification: Likely benign for Ehlers-Danlos syndrome, classic type, 1. Last evaluated: 2018-01-13. Review status: criteria provided, single submitter. Criteria: ICSL Variant Classification Criteria 13 December 2019. Collection method: clinical testing. Allele origin: germline.
Comment: This variant was observed in the ICSL laboratory as part of a predisposition screen in an ostensibly healthy population. It had not been previously curated by ICSL or reported in the Human Gene Mutation Database (HGMD: prior to June 1st, 2018), and was therefore a candidate for classification through an automated scoring system. Utilizing variant allele frequency, disease prevalence and penetrance estimates, and inheritance mode, an automated score was calculated to assess if this variant is too frequent to cause the disease. Based on the score and internal cut-off values, a variant classified as likely benign is not then subjected to further curation. The score for this variant resulted in a classification of likely benign for this disease.

Literature cited by the submitters: PubMed 35830949 (cited by Ambry Genetics).

NM_000093.5(COL5A1):c.3014C>T (p.Thr1005Met)

Gene: COL5A1 (collagen type V alpha 1 chain; plus strand). Cytogenetic location: 9q34.3.
Variant type: single nucleotide variant.
Coding change: c.3014C>T on transcript NM_000093.5 (MANE Select); coding-DNA position 3014, C replaced by T.
Protein change: p.Thr1005Met; replaces threonine 1005 with methionine.
Molecular consequence: missense variant.
Genome position (GRCh38, 1-based): chr9:134,802,895, C>T. VCF-style: chr9-134802895-C-T. GRCh37 (hg19) VCF-style: chr9-137694741-C-T.
Other names: c.3014C>T, p.Thr1005Met (NM_001278074.1); short protein forms T1005M.
Identifiers: ClinVar variation 264088 (VCV000264088.21), dbSNP rs201220311, ClinGen allele CA5319734.